The following is an entry in ClinVar:

ClinVar aggregate classification (germline): Uncertain significance (1 of 4 stars; one submission).

Conditions:
Mucopolysaccharidosis, MPS-III-D (MPS3D). Also called: N-ACETYLGLUCOSAMINE-6-SULFATASE DEFICIENCY; SANFILIPPO SYNDROME D; MPS III D; Mucopoly-saccharidosis type 3D; N-acetylglucosamine-6-sulfate sulfatase deficiency; MPS 3D. Identifiers: Orphanet 581, Orphanet 79272, MedGen C0086650, MONDO:0009658, OMIM 252940.

Submission:

Labcorp Genetics (formerly Invitae), Labcorp
Classification: Uncertain significance for Mucopolysaccharidosis, MPS-III-D. Last evaluated: 2022-08-19. Review status: criteria provided, single submitter. Criteria: Invitae Variant Classification Sherloc (09022015). Collection method: clinical testing. Allele origin: germline.
Comment: In summary, the available evidence is currently insufficient to determine the role of this variant in disease. Therefore, it has been classified as a Variant of Uncertain Significance. Algorithms developed to predict the effect of missense changes on protein structure and function (SIFT, PolyPhen-2, Align-GVGD) all suggest that this variant is likely to be disruptive. This variant has not been reported in the literature in individuals affected with GNS-related conditions. This variant is not present in population databases (gnomAD no frequency). This sequence change replaces cysteine, which is neutral and slightly polar, with tyrosine, which is neutral and polar, at codon 442 of the GNS protein (p.Cys442Tyr).

NM_002076.4(GNS):c.1325G>A (p.Cys442Tyr)

Gene: GNS (glucosamine (N-acetyl)-6-sulfatase; minus strand). Cytogenetic location: 12q14.3.
Variant type: single nucleotide variant.
Coding change: c.1325G>A on transcript NM_002076.4 (MANE Select); coding-DNA position 1325, G replaced by A.
Protein change: p.Cys442Tyr; replaces cysteine 442 with tyrosine.
Molecular consequence: missense variant.
Genome position (GRCh38, 1-based): chr12:64,721,689, C>T on the plus strand (G>A on the coding strand, the complement: GNS is on the minus strand). VCF-style: chr12-64721689-C-T. GRCh37 (hg19) VCF-style: chr12-65115469-C-T.
Other names: short protein forms C442Y.
Identifiers: ClinVar variation 2196658 (VCV002196658.4), dbSNP rs2539503926, ClinGen allele CA385602296.